The following is an entry in ClinVar:

ClinVar aggregate classification (germline): Uncertain significance (1 of 4 stars; one submission).

gnomAD v4.1: 8 of 1,614,024 alleles (0.0005%); highest among the groups gnomAD compares: South Asian, 0.0055%; no homozygotes.

Submission:

Labcorp Genetics (formerly Invitae), Labcorp
Classification: Uncertain significance. Last evaluated: 2025-05-26. Review status: criteria provided, single submitter. Criteria: Invitae Variant Classification Sherloc (09022015). Collection method: clinical testing. Allele origin: germline.
Comment: This sequence change replaces proline, which is neutral and non-polar, with serine, which is neutral and polar, at codon 585 of the IL23R protein (p.Pro585Ser). This variant is present in population databases (rs773929382, gnomAD 0.01%). This variant has not been reported in the literature in individuals affected with IL23R-related conditions. An algorithm developed to predict the effect of missense changes on protein structure and function (PolyPhen-2) suggests that this variant is likely to be disruptive. In summary, the available evidence is currently insufficient to determine the role of this variant in disease. Therefore, it has been classified as a Variant of Uncertain Significance.

NM_144701.3(IL23R):c.1753C>T (p.Pro585Ser)

Gene: IL23R (interleukin 23 receptor; plus strand). Cytogenetic location: 1p31.3.
Variant type: single nucleotide variant.
Coding change: c.1753C>T on transcript NM_144701.3 (MANE Select); coding-DNA position 1753, C replaced by T.
Protein change: p.Pro585Ser; replaces proline 585 with serine.
Molecular consequence: missense variant.
Genome position (GRCh38, 1-based): chr1:67,258,991, C>T. VCF-style: chr1-67258991-C-T. GRCh37 (hg19) VCF-style: chr1-67724674-C-T.
Other names: short protein forms P585S.
Identifiers: ClinVar variation 4773779 (VCV004773779.1).
Genomic context (GRCh38, chr1:67,258,991, plus strand): 5'-AACTCAGTAGAGGAGGAAACCACCATGCTTTTGGAAAATGATTCACCCAGTGAAACTATT[C>T]CAGAACAGACCCTGCTTCCTGATGAATTTGTCTCCTGTTTGGGGATCGTGAATGAGGAGT-3'
Protein context (NP_653302.2, residues 575-595): LENDSPSETI[Pro585Ser]EQTLLPDEFV